The following is an entry in ClinVar:

ClinVar aggregate classification (germline): Uncertain significance (1 of 4 stars; one submission).

Conditions:
PLXNA2-related disorder. Also called: PLXNA2-related condition.

gnomAD v4.1: 1 of 1,613,776 alleles (0.000062%); highest among the groups gnomAD compares: Non-Finnish European, 0.000085%; no homozygotes.

Submission:

PreventionGenetics, part of Exact Sciences
Classification: Uncertain significance for PLXNA2-related condition. Last evaluated: 2026-06-15. Review status: criteria provided, single submitter. Criteria: ACMG Guidelines, 2015. Collection method: clinical testing. Allele origin: germline.
Comment: The PLXNA2 c.5135C>T variant is predicted to result in the amino acid substitution p.Ala1712Val. To our knowledge, this variant has not been reported in the literature or in a large population database (gnomAD), indicating this variant is rare. At this time, the clinical significance of this variant is uncertain due to the absence of conclusive functional and genetic evidence.

NM_025179.4(PLXNA2):c.5135C>T (p.Ala1712Val)

Gene: PLXNA2 (plexin A2; minus strand). Cytogenetic location: 1q32.2.
Variant type: single nucleotide variant.
Coding change: c.5135C>T on transcript NM_025179.4 (MANE Select); coding-DNA position 5135, C replaced by T.
Protein change: p.Ala1712Val; replaces alanine 1712 with valine.
Molecular consequence: missense variant.
Genome position (GRCh38, 1-based): chr1:208,031,680, G>A on the plus strand (C>T on the coding strand, the complement: PLXNA2 is on the minus strand). VCF-style: chr1-208031680-G-A. GRCh37 (hg19) VCF-style: chr1-208205025-G-A.
Other names: short protein forms A1712V.
Identifiers: ClinVar variation 4989405 (VCV004989405.1).